The following is an entry in ClinVar:

NM_005045.4(RELN):c.5879C>A (p.Thr1960Lys)

Gene: RELN (reelin; minus strand). Cytogenetic location: 7q22.1.
Variant type: single nucleotide variant.
Coding change: c.5879C>A on transcript NM_005045.4 (MANE Select); coding-DNA position 5879, C replaced by A.
Protein change: p.Thr1960Lys; replaces threonine 1960 with lysine.
Molecular consequence: missense variant.
Genome position (GRCh38, 1-based): chr7:103,553,750, G>T on the plus strand (C>A on the coding strand, the complement: RELN is on the minus strand). VCF-style: chr7-103553750-G-T. GRCh37 (hg19) VCF-style: chr7-103194197-G-T.
Other names: c.5879C>A, p.Thr1960Lys (NM_173054.3); short protein forms T1960K.
Identifiers: ClinVar variation 2945365 (VCV002945365.3), dbSNP rs2484721804, ClinGen allele CA368739779.

ClinVar aggregate classification (germline): Uncertain significance (1 of 4 stars; one submission).

Conditions:
Norman-Roberts syndrome (LIS2). Also called: Lissencephaly 2 (Norman-Roberts type). Identifiers: Orphanet 89844, MedGen C0796089, MONDO:0009760, OMIM 257320.
Familial temporal lobe epilepsy 7. Identifiers: Orphanet 101046, MedGen C4225327, MONDO:0014639, OMIM 616436.

Submission:

Labcorp Genetics (formerly Invitae), Labcorp
Classification: Uncertain significance for Familial temporal lobe epilepsy 7; Norman-Roberts syndrome. Last evaluated: 2024-11-11. Review status: criteria provided, single submitter. Criteria: Invitae Variant Classification Sherloc (09022015). Collection method: clinical testing. Allele origin: germline.
Comment: This sequence change replaces threonine, which is neutral and polar, with lysine, which is basic and polar, at codon 1960 of the RELN protein (p.Thr1960Lys). This variant is not present in population databases (gnomAD no frequency). This variant has not been reported in the literature in individuals affected with RELN-related conditions. ClinVar contains an entry for this variant (Variation ID: 2945365). Invitae Evidence Modeling of protein sequence and biophysical properties (such as structural, functional, and spatial information, amino acid conservation, physicochemical variation, residue mobility, and thermodynamic stability) indicates that this missense variant is not expected to disrupt RELN protein function with a negative predictive value of 80%. In summary, the available evidence is currently insufficient to determine the role of this variant in disease. Therefore, it has been classified as a Variant of Uncertain Significance.